The following is an entry in ClinVar:

NM_000152.5(GAA):c.1209del (p.Asn403fs)

Gene: GAA (alpha glucosidase; plus strand). Cytogenetic location: 17q25.3.
Variant type: Deletion.
Coding change: c.1209del on transcript NM_000152.5 (MANE Select); coding-DNA position 1209, one base deleted (C; older notation c.1209delC).
Protein change: p.Asn403fs; shifts the reading frame from asparagine 403.
Molecular consequence: frameshift variant.
Genome position (GRCh38, 1-based): chr17:80,108,711, C deleted. VCF-style (leftmost placement, unchanged base first): chr17-80108710-AC-A. GRCh37 (hg19) VCF-style: chr17-78082509-AC-A.
Other names: c.1209del, p.Asn403fs (NM_001079803.3, NM_001079804.3, NM_001406741.1 and 1 more transcripts); short protein forms N403fs.
Identifiers: ClinVar variation 4876617 (VCV004876617.1).
Genomic context (GRCh38, chr17:80,108,710, plus strand): 5'-ACGCGTCTCCTCAGGCCCCAGCAGACGGTCCCGTGTTGTGGCTGCAGGACGTCCAGTGGA[AC>A]GACCTGGACTACATGGACTCCCGGAGGGACTTCACGTTCAACAAGGATGGCTTCCGGGAC-3'

ClinVar aggregate classification (germline): Pathogenic (1 of 4 stars; one submission).

Conditions:
Glycogen storage disease, type II (IOPD). Also called: Pompe Disease; CARDIOMEGALIA GLYCOGENICA DIFFUSA; GLYCOGENOSIS, GENERALIZED, CARDIAC FORM; GSD II; POMPE DISEASE, INFANTILE-ONSET; GLYCOGEN STORAGE DISEASE II, INFANTILE-ONSET. Identifiers: Orphanet 365, MedGen C0017921, MONDO:0009290, OMIM 232300.

Submission:

Genomenon, Inc
Classification: Pathogenic for Glycogen storage disease, type II. Last evaluated: 2026-07-01. Review status: criteria provided, single submitter. Criteria: Genomenon Sequence Variant Interpretation Standards - Updated. Collection method: curation. Allele origin: germline. Affected: yes.
Comment: GAA p.Asn403LysfsTer37 (c.1209del) is a frameshift variant that is predicted to introduce a premature termination codon and result in a truncated or absent protein product. This variant has been observed in at least one proband with a GAA-related disorder (PMID:25741864). It is absent or not present at a significant frequency in gnomAD. In conclusion, we classify GAA p.Asn403LysfsTer37 (c.1209del) as a pathogenic variant.

Literature cited by the submitters: PubMed 25741864.